The following is an entry in ClinVar:

ClinVar aggregate classification (germline): Uncertain significance (1 of 4 stars; one submission).

Conditions:
Cardiovascular phenotype. Identifiers: MedGen CN230736.

Submission:

Ambry Genetics
Classification: Uncertain significance for Cardiovascular phenotype. Last evaluated: 2024-08-23. Review status: criteria provided, single submitter. Criteria: Ambry Variant Classification Scheme 2023. Collection method: clinical testing. Allele origin: germline.
Comment: The c.879-1G>A intronic variant results from a G to A substitution one nucleotide before coding exon 4 of the LOX gene. Alterations that disrupt the canonical splice site are expected to result in aberrant splicing. In silico splice site analysis predicts that this alteration will weaken the native splice acceptor site and will result in the creation or strengthening of a novel splice acceptor site. The resulting transcript is predicted to be in-frame and is not expected to trigger nonsense-mediated mRNAdecay; however, direct evidence is unavailable. The exact functional effect of the altered amino acid sequence is unknown. This nucleotide position is highly conserved in available vertebrate species. Based on the available evidence, the clinical significance of this variant remains unclear.

NM_002317.7(LOX):c.879-1G>A

Genes: LOX (lysyl oxidase; minus strand), SRFBP1 (serum response factor binding protein 1; plus strand). Cytogenetic location: 5q23.1.
Variant type: single nucleotide variant.
Coding change: c.879-1G>A on transcript NM_002317.7 (MANE Select); the canonical splice acceptor site of the intron before coding-DNA position 879, G replaced by A.
Molecular consequence: splice acceptor variant.
Genome position (GRCh38, 1-based): chr5:122,074,170, C>T on the plus strand (G>A on the coding strand, the complement: LOX is on the minus strand). VCF-style: chr5-122074170-C-T. GRCh37 (hg19) VCF-style: chr5-121409865-C-T.
Other names: c.189-1G>A (NM_001178102.2); c.-13-1G>A (NM_001317073.1).
Identifiers: ClinVar variation 3538992 (VCV003538992.1).
Genomic context (GRCh38, chr5:122,074,170, plus strand): 5'-CTCTGGGTGTTGGCATCAAGCAGGTCATAGTGGCTAAACTCATCCATACTGTGGTAATGT[C>T]TGATGTCCCACAAAACAAAAAGATGGTGGTCAGTTACATACAGAGAAAGCAATGAAGATA-3'